The following is an entry in ClinVar:

ClinVar aggregate classification (germline): Pathogenic (1 of 4 stars; one submission).

Submission:

Baylor Genetics
Classification: Pathogenic. Last evaluated: 2018-11-01. Review status: criteria provided, single submitter. Criteria: ACMG CNV Guidelines, 2011. Collection method: clinical testing. Allele origin: de novo. Observed: 1 variant allele.

GRCh37/hg19 17q24.1(chr17:62787370-63402628)

Genes: GNA13 (G protein subunit alpha 13; minus strand), LRRC37A3 (leucine rich repeat containing 37 member A3), RGS9 (regulator of G protein signaling 9; plus strand). Cytogenetic location: 17q24.1.
Variant type: copy number loss.
Identifiers: ClinVar variation 625758 (VCV000625758.1).